The following is an entry in ClinVar:

NM_001931.5(DLAT):c.423G>A (p.Glu141=)

Gene: DLAT (dihydrolipoamide S-acetyltransferase; plus strand). Cytogenetic location: 11q23.1.
Variant type: single nucleotide variant.
Coding change: c.423G>A on transcript NM_001931.5 (MANE Select); coding-DNA position 423, G replaced by A.
Protein change: p.Glu141=; no amino-acid change (glutamic acid 141 retained).
Molecular consequence: synonymous variant. On other transcripts: 5 prime UTR variant (1), non-coding transcript variant (1), intron variant (2).
Genome position (GRCh38, 1-based): chr11:112,028,556, G>A. VCF-style: chr11-112028556-G-A. GRCh37 (hg19) VCF-style: chr11-111899280-G-A.
Other names: c.423G>A, p.Glu141= (NM_001372031.1, NM_001372032.1, NM_001372033.1 and 3 more transcripts); c.390G>A, p.Glu130= (NM_001372034.1); c.297G>A, p.Glu99= (NM_001372036.1); c.255G>A, p.Glu85= (NM_001372037.1); c.-44G>A (NM_001372042.1); c.381+2257G>A (NM_001372038.1); c.364+2274G>A (NM_001372040.1).
Identifiers: ClinVar variation 284159 (VCV000284159.7), dbSNP rs781936816, ClinGen allele CA6276667.
Genomic context (GRCh38, chr11:112,028,556, plus strand): 5'-CTGCTTTTTGTGTTAAAAGGTTGAAACTGATAAAGCCACTGTTGGATTTGAGAGCCTGGA[G>A]GAGTGTTATATGGCAAAGATACTTGTTGCTGAAGGTACCAGGGATGTTCCCATCGGAGCG-3'
Protein context (NP_001922.2, residues 131-151): DKATVGFESL[Glu141=]ECYMAKILVA

ClinVar aggregate classification (germline): Conflicting classifications of pathogenicity. Review status: criteria provided, conflicting classifications (1 of 4 stars). 2 submissions from 2 submitters: Uncertain significance (1); Likely benign (1). Last evaluated 2018-04-05.

Allele frequency attached by ClinVar (database versions not stated): ExAC 0.00001; gnomAD exomes 0.00001.
gnomAD v4.1: 8 of 1,614,172 alleles (0.0005%); highest among the groups gnomAD compares: East Asian, 0.018%; no homozygotes.

Submissions (2):

GeneDx
Classification: Likely benign. Last evaluated: 2018-04-05. Review status: criteria provided, single submitter. Criteria: GeneDx Variant Classification (06012015). Collection method: clinical testing. Allele origin: germline. Affected: yes.
Comment: This variant is considered likely benign or benign based on one or more of the following criteria: it is a conservative change, it occurs at a poorly conserved position in the protein, it is predicted to be benign by multiple in silico algorithms, and/or has population frequency not consistent with disease.

Eurofins Ntd Llc (ga)
Classification: Uncertain significance. Last evaluated: 2015-10-29. Review status: criteria provided, single submitter. Criteria: EGL Classification Definitions 2015. Collection method: clinical testing. Allele origin: germline. Observed: 1 variant allele, 1 heterozygote.